The following is an entry in ClinVar:

ClinVar aggregate classification (germline): Pathogenic (1 of 4 stars; one submission).

Conditions:
Hereditary cancer-predisposing syndrome. Also called: Hereditary Cancer Syndrome; Tumor predisposition; Hereditary neoplastic syndrome; Neoplastic Syndromes, Hereditary. Identifiers: Orphanet 140162, MedGen C0027672, MeSH D009386, MONDO:0015356.
Cardiovascular phenotype. Identifiers: MedGen CN230736.

Submission:

Ambry Genetics
Classification: Pathogenic for Cardiovascular phenotype; Hereditary cancer-predisposing syndrome. Last evaluated: 2024-10-16. Review status: criteria provided, single submitter. Criteria: Ambry Variant Classification Scheme 2023. Collection method: clinical testing. Allele origin: germline.
Comment: The c.3422_3423delTG pathogenic mutation, located in coding exon 26 of the NF1 gene, results from a deletion of two nucleotides at nucleotide positions 3422 to 3423, causing a translational frameshift with a predicted alternate stop codon (p.L1141Qfs*53). This variant is considered to be rare based on population cohorts in the Genome Aggregation Database (gnomAD). This alteration is expected to result in loss of function by premature protein truncation or nonsense-mediated mRNA decay. As such, this alteration is interpreted as a disease-causing mutation.

NM_001042492.3(NF1):c.3422_3423del (p.Leu1141fs)

Gene: NF1 (neurofibromin 1; plus strand). Cytogenetic location: 17q11.2.
Variant type: Deletion.
Coding change: c.3422_3423del on transcript NM_001042492.3 (MANE Select); coding-DNA positions 3422 to 3423, 2 bases deleted (TG; older notation c.3422_3423delTG).
Protein change: p.Leu1141fs; shifts the reading frame from leucine 1141.
Molecular consequence: frameshift variant.
Genome position (GRCh38, 1-based): chr17:31,232,807-31,232,808, TG deleted. VCF-style (leftmost placement, unchanged base first): chr17-31232806-CTG-C. GRCh37 (hg19) VCF-style: chr17-29559824-CTG-C.
Other names: c.3422_3423delTG, p.Leu1141Glnfs (NM_000267.4); c.3422_3423delTG (NM_000267.3); short protein forms L1141fs.
Identifiers: ClinVar variation 3404777 (VCV003404777.1).